The following is an entry in ClinVar:

ClinVar aggregate classification (germline): Uncertain significance (1 of 4 stars; one submission).

Conditions:
Joubert syndrome 23 (JBTS23). Identifiers: Orphanet 475, MedGen C4084822, MONDO:0014664, OMIM 616490.
Short-rib thoracic dysplasia 14 with polydactyly (SRTD14). Identifiers: Orphanet 397715, MedGen C4225286, MONDO:0014688, OMIM 616546.

Allele frequency attached by ClinVar (database versions not stated): gnomAD 0.00002.

Submission:

Labcorp Genetics (formerly Invitae), Labcorp
Classification: Uncertain significance for Joubert syndrome 23; Short-rib thoracic dysplasia 14 with polydactyly. Last evaluated: 2022-01-27. Review status: criteria provided, single submitter. Criteria: Invitae Variant Classification Sherloc (09022015). Collection method: clinical testing. Allele origin: germline.
Comment: This sequence change replaces alanine, which is neutral and non-polar, with threonine, which is neutral and polar, at codon 1403 of the KIAA0586 protein (p.Ala1403Thr). This variant is present in population databases (no rsID available, gnomAD 0.01%). This variant has not been reported in the literature in individuals affected with KIAA0586-related conditions. Algorithms developed to predict the effect of missense changes on protein structure and function are either unavailable or do not agree on the potential impact of this missense change (SIFT: "Deleterious"; PolyPhen-2: "Benign"; Align-GVGD: "Class C0"). In summary, the available evidence is currently insufficient to determine the role of this variant in disease. Therefore, it has been classified as a Variant of Uncertain Significance.

NM_001329943.3(KIAA0586):c.4048G>A (p.Ala1350Thr)

Gene: KIAA0586 (KIAA0586; plus strand). Cytogenetic location: 14q23.1.
Variant type: single nucleotide variant.
Coding change: c.4048G>A on transcript NM_001329943.3 (MANE Select); coding-DNA position 4048, G replaced by A.
Protein change: p.Ala1350Thr; replaces alanine 1350 with threonine.
Molecular consequence: missense variant.
Genome position (GRCh38, 1-based): chr14:58,498,840, G>A. VCF-style: chr14-58498840-G-A. GRCh37 (hg19) VCF-style: chr14-58965558-G-A.
Other names: c.4207G>A, p.Ala1403Thr (NM_001244189.2); c.4003G>A, p.Ala1335Thr (NM_001244190.2); c.3793G>A, p.Ala1265Thr (NM_001244191.2, NM_001329945.2, NM_001364700.1 and 1 more transcripts); c.3916G>A, p.Ala1306Thr (NM_001244192.2, NM_001329947.2); c.3628G>A, p.Ala1210Thr (NM_001244193.2); c.4048G>A, p.Ala1350Thr (NM_001329944.2, NM_001329946.2); c.3820G>A, p.Ala1274Thr (NM_014749.5); short protein forms A1403T, A1265T, A1350T, A1210T, A1274T, A1306T, A1335T.
Identifiers: ClinVar variation 1980693 (VCV001980693.1), dbSNP rs1191856849, ClinGen allele CA389885551.